The following is an entry in ClinVar:

NC_000008.10:g.(?_1719221)_(1905429_?)dup

Genes: ARHGEF10 (Rho guanine nucleotide exchange factor 10; plus strand), CLN8 (CLN8 transmembrane ER and ERGIC protein; plus strand). Cytogenetic location: 8p23.3.
Variant type: Duplication.
Identifiers: ClinVar variation 3245582 (VCV003245582.1).

ClinVar aggregate classification (germline): Uncertain significance (1 of 4 stars; one submission).

Submission:

Labcorp Genetics (formerly Invitae), Labcorp
Classification: Uncertain significance. Last evaluated: 2023-12-18. Review status: criteria provided, single submitter. Criteria: Invitae Variant Classification Sherloc (09022015). Collection method: clinical testing. Allele origin: unknown.
Comment: A copy number gain of the genomic region encompassing the full coding sequence of the ARHGEF10 gene has been identified. The boundaries of this event are unknown as they extend beyond the assayed region for this gene and therefore may encompass additional genes. As the precise location of this event is unknown, it may be in tandem or it may be located elsewhere in the genome. This variant has not been reported in the literature in individuals affected with ARHGEF10-related conditions. In summary, the available evidence is currently insufficient to determine the role of this variant in disease. Therefore, it has been classified as a Variant of Uncertain Significance.